The following is an entry in ClinVar:

ClinVar aggregate classification (germline): Pathogenic/Likely pathogenic. Review status: criteria provided, multiple submitters, no conflicts (2 of 4 stars). 4 submissions from 4 submitters: Pathogenic (2); Likely pathogenic (2). Last evaluated 2025-08-14.

Conditions:
Glycogen storage disease, type IV (GSD4). Also called: AMYLOPECTINOSIS; ANDERSEN DISEASE; BRANCHER DEFICIENCY; CIRRHOSIS, FAMILIAL, WITH DEPOSITION OF ABNORMAL GLYCOGEN; GBE1 DEFICIENCY; GLYCOGEN BRANCHING ENZYME DEFICIENCY. Identifiers: Orphanet 367, MedGen C0017923, MONDO:0009292, OMIM 232500.
GBE1-related disorder. Also called: GBE1-related disorders; GBE1-related condition. Identifiers: MedGen CN239402.
Glycogen storage disease IV, classic hepatic. Also called: GSD IV, CLASSIC HEPATIC. Identifiers: MedGen C1856301.

Allele frequency attached by ClinVar (database versions not stated): gnomAD 0.00001.
gnomAD v4.1: 4 of 1,611,212 alleles (0.00025%); highest among the groups gnomAD compares: African/African-American, 0.0013%; no homozygotes.

Submissions (4):

PreventionGenetics, part of Exact Sciences
Classification: Likely pathogenic for GBE1-related condition. Last evaluated: 2025-08-14. Review status: criteria provided, single submitter. Criteria: ACMG Guidelines, 2015. Collection method: clinical testing. Allele origin: germline.
Comment: The GBE1 c.808C>T variant is predicted to result in premature protein termination (p.Gln270*). To our knowledge, this variant has not been reported in the literature or in a large population database (gnomAD), indicating this variant is rare. Nonsense variants in GBE1 are expected to be pathogenic. This variant is interpreted as likely pathogenic.

Natera, Inc.
Classification: Likely pathogenic for Glycogen storage disease type IV. Last evaluated: 2025-02-21. Review status: criteria provided, single submitter. Criteria: Natera Variant Classification Schema (03/2026). Collection method: clinical testing. Allele origin: germline.
Comment: The c.808C>T variant in GBE1 is a nonsense variant predicted to introduce a stop codon at amino acid 270. This variant is expected to result in nonsense mediated decay, truncation, or a dysfunctional protein product. This variant is rare in the general population with a frequency below the threshold expected for the associated phenotype(s). Given the available evidence, this variant is classified as Likely Pathogenic.

Revvity Omics, Revvity
Classification: Pathogenic. Last evaluated: 2020-06-17. Review status: criteria provided, single submitter. Criteria: ACMG Guidelines, 2015. Collection method: clinical testing. Allele origin: germline.

Labcorp Genetics (formerly Invitae), Labcorp
Classification: Pathogenic for Glycogen storage disease, type IV; Glycogen storage disease IV, classic hepatic. Last evaluated: 2020-06-10. Review status: criteria provided, single submitter. Criteria: Invitae Variant Classification Sherloc (09022015). Collection method: clinical testing. Allele origin: germline.
Comment: This variant is not present in population databases (ExAC no frequency). This sequence change creates a premature translational stop signal (p.Gln270*) in the GBE1 gene. It is expected to result in an absent or disrupted protein product. This variant has not been reported in the literature in individuals with GBE1-related conditions. For these reasons, this variant has been classified as Pathogenic. Loss-of-function variants in GBE1 are known to be pathogenic (PMID: 15452297, 20058079).

Literature cited by the submitters: PubMed 15452297 (cited by Labcorp Genetics (formerly Invitae), Labcorp); PubMed 20058079 (cited by Labcorp Genetics (formerly Invitae), Labcorp).

NM_000158.4(GBE1):c.808C>T (p.Gln270Ter)

Gene: GBE1 (1,4-alpha-glucan branching enzyme 1; minus strand). Cytogenetic location: 3p12.2.
Variant type: single nucleotide variant.
Coding change: c.808C>T on transcript NM_000158.4 (MANE Select); coding-DNA position 808, C replaced by T.
Protein change: p.Gln270Ter; replaces glutamine 270 with a stop codon.
Molecular consequence: nonsense.
Genome position (GRCh38, 1-based): chr3:81,642,965, G>A on the plus strand (C>T on the coding strand, the complement: GBE1 is on the minus strand). VCF-style: chr3-81642965-G-A. GRCh37 (hg19) VCF-style: chr3-81692116-G-A.
Other names: short protein forms Q270*.
Identifiers: ClinVar variation 1069726 (VCV001069726.11), dbSNP rs559653237, ClinGen allele CA353687537.